The following is an entry in ClinVar:

ClinVar aggregate classification (germline): Uncertain significance (1 of 4 stars; one submission).

Submission:

GeneDx
Classification: Uncertain significance. Last evaluated: 2022-03-01. Review status: criteria provided, single submitter. Criteria: GeneDx Variant Classification Process June 2021. Collection method: clinical testing. Allele origin: germline. Affected: yes.
Comment: Not observed at significant frequency in large population cohorts (gnomAD); In silico analysis supports that this missense variant has a deleterious effect on protein structure/function; Has not been previously published as pathogenic or benign to our knowledge

NM_005862.3(STAG1):c.2360T>G (p.Val787Gly)

Gene: STAG1 (STAG1 cohesin complex component; minus strand). Cytogenetic location: 3q22.3.
Variant type: single nucleotide variant.
Coding change: c.2360T>G on transcript NM_005862.3 (MANE Select); coding-DNA position 2360, T replaced by G.
Protein change: p.Val787Gly; replaces valine 787 with glycine.
Molecular consequence: missense variant.
Genome position (GRCh38, 1-based): chr3:136,377,670, A>C on the plus strand (T>G on the coding strand, the complement: STAG1 is on the minus strand). VCF-style: chr3-136377670-A-C. GRCh37 (hg19) VCF-style: chr3-136096512-A-C.
Other names: short protein forms V787G.
Identifiers: ClinVar variation 1704130 (VCV001704130.2), dbSNP rs2530176640, ClinGen allele CA354648760.